The following is an entry in ClinVar:

ClinVar aggregate classification (germline): Likely pathogenic (1 of 4 stars; one submission).

Conditions:
Nephrotic syndrome, type 10 (NPHS10). Identifiers: MedGen C4014507, MONDO:0014373, OMIM 615861.

Submission:

Clinical Genomics Laboratory, Washington University in St. Louis
Classification: Likely pathogenic for Nephrotic syndrome, type 10. Last evaluated: 2024-06-29. Review status: criteria provided, single submitter. Criteria: ACMG Guidelines, 2015. Collection method: clinical testing. Allele origin: germline. Affected: yes.
Comment: An EMP2 c.87_89del (p.Trp29*) variant was identified in a heterozygous state. This variant, to our knowledge, has not been reported in the medical literature. It absent from the general population (gnomAD v.2.1.1), indicating it is not a common variant. This variant occurs in a well conserved region and deletes three nucleotides, leading to a premature termination codon, which is predicted to lead to nonsense mediated decay. Based on the available information and the ACMG/AMP guidelines for variant interpretation (Richards S et al., PMID: 25741868), this variant is classified as likely pathogenic.

NM_001424.6(EMP2):c.87_89del (p.Trp29_Val30delinsTer)

Gene: EMP2 (epithelial membrane protein 2; minus strand). Cytogenetic location: 16p13.13.
Variant type: Deletion.
Coding change: c.87_89del on transcript NM_001424.6 (MANE Select); coding-DNA positions 87 to 89, 3 bases deleted (GGT; older notation c.87_89delGGT).
Protein change: p.Trp29_Val30delinsTer.
Molecular consequence: nonsense.
Genome position (GRCh38, 1-based): chr16:10,543,650-10,543,652, ACC deleted on the plus strand (GGT on the coding strand, the reverse complement: EMP2 is on the minus strand). VCF-style (leftmost placement, unchanged base first): chr16-10543649-TACC-T. GRCh37 (hg19) VCF-style: chr16-10637506-TACC-T.
Identifiers: ClinVar variation 3600404 (VCV003600404.1).